The following is an entry in ClinVar:

ClinVar aggregate classification (germline): Pathogenic (1 of 4 stars; one submission).

Submission:

Quest Diagnostics Nichols Institute San Juan Capistrano
Classification: Pathogenic. Last evaluated: 2023-06-08. Review status: criteria provided, single submitter. Criteria: ACMG/ClinGen CNV Guidelines, 2019. Collection method: clinical testing. Allele origin: unknown.
Comment: This loss involves multiple protein-coding genes. Larger deletions which overlap this interval have been reported in individuals with neurodevelopmental phenotypes (Mosca-Boidron 2013, Traylor 2010). Haploinsufficiency of KCNQ2 is associated with autosomal dominant benign familial neonatal seizures-1 (BFNS1; OMIM 121200; Rehm 2015, Kim 2020, Malerba 2020, Mary 2021, Siracusano 2022). There are no similar copy number losses of this region in the general populations of the Database of Genomic Variants, based on current medical literature, this copy number variant (CNV) is classified as pathogenic. References Kim et al., Genes Brain Behav. 2020 Jan;19(1):e12599. PMID: 31283873 Malerba et al., Neurol Genet. 2020 Nov 30;6(6):e528. PMID: 33659638 Mary et al., Am J Med Genet A. 2021 Jun;185(6):1803-1815. PMID: 33754465 Mosca-Boidron et al., Am J Med Genet A. 2013 Jun;161A(6):1505-7. PMID: 23613186 Rehm et al., N Engl J Med. 2015 Jun 4;372(23):2235-42. PMID: 26014595 Siracusano et al., Pediatr Rep. 2022 Apr 24;14(2):200-206. PMID: 35645364 Traylor et al., PLoS One. 2010 Aug 27;5(8):e12462. PMID: 20805988

GRCh37/hg19 20q13.33(chr20:61815143-62318983)x1

Genes: COL20A1 (collagen type XX alpha 1 chain; plus strand), NKAIN4 (sodium/potassium transporting ATPase interacting 4; minus strand), PPDPF (pancreatic progenitor cell differentiation and proliferation factor; plus strand), PTK6 (protein tyrosine kinase 6; minus strand), SRMS (src-related kinase lacking C-terminal regulatory tyrosine and N-terminal myristylation sites; minus strand) and 11 more. Cytogenetic location: 20q13.33.
Variant type: copy number loss.
Change: copy number 1 (one copy instead of two) of chr20:61,815,143-62,318,983 (503.8 kb, GRCh37 coordinates, 1-based), cytogenetic band 20q13.33.
Identifiers: ClinVar variation 564629 (VCV000564629.2).